The following is an entry in ClinVar:

ClinVar aggregate classification (germline): Conflicting classifications of pathogenicity. Review status: criteria provided, conflicting classifications (1 of 4 stars). 5 submissions from 5 submitters: Uncertain significance (4); Likely benign (1). Last evaluated 2026-03-26.

Conditions:
AARS1-related disorder. Also called: AARS1-related condition.
Inborn genetic diseases. Identifiers: MedGen C0950123, MeSH D030342.
Charcot-Marie-Tooth disease type 2. Also called: Charcot-Marie-Tooth type 2. Identifiers: Orphanet 64746, MedGen C0270914, MONDO:0018993.

Allele frequency attached by ClinVar (database versions not stated): ExAC 0.00006; gnomAD exomes 0.00007; gnomAD 0.00008 and 0.00009; TOPMed 0.00008; ESP Exome Variant Server 0.00023.
gnomAD v4.1: 121 of 1,614,110 alleles (0.0075%); highest among the groups gnomAD compares: Middle Eastern, 0.05%; 1 homozygote.

Submissions (5):

PreventionGenetics, part of Exact Sciences
Classification: Uncertain significance for AARS1-related condition. Last evaluated: 2026-03-26. Review status: criteria provided, single submitter. Criteria: ACMG Guidelines, 2015. Collection method: clinical testing. Allele origin: germline.
Comment: The AARS1 c.1405G>A variant is predicted to result in the amino acid substitution p.Ala469Thr. To our knowledge, this variant has not been reported in the literature. This variant is reported in 0.010% of alleles in individuals of European (non-Finnish) descent in gnomAD. At this time, the clinical significance of this variant is uncertain due to the absence of conclusive functional and genetic evidence.

Labcorp Genetics (formerly Invitae), Labcorp
Classification: Likely benign for Charcot-Marie-Tooth disease type 2. Last evaluated: 2025-11-23. Review status: criteria provided, single submitter. Criteria: Invitae Variant Classification Sherloc (09022015). Collection method: clinical testing. Allele origin: germline.

Mayo Clinic Laboratories, Mayo Clinic
Classification: Uncertain significance. Last evaluated: 2024-06-25. Review status: criteria provided, single submitter. Criteria: ACMG Guidelines, 2015. Collection method: clinical testing. Allele origin: germline. Observed: 1 variant allele.

Ambry Genetics
Classification: Uncertain significance for Inborn genetic diseases. Last evaluated: 2023-12-18. Review status: criteria provided, single submitter. Criteria: Ambry Variant Classification Scheme 2023. Collection method: clinical testing. Allele origin: germline.
Comment: Unlikely to be causative of AARS-related Charcot-Marie-Tooth disease, type 2 (AD) Based on insufficient or conflicting evidence, the clinical significance of this alteration remains unclear.

GeneDx
Classification: Uncertain significance. Last evaluated: 2017-06-06. Review status: criteria provided, single submitter. Criteria: GeneDx Variant Classification (06012015). Collection method: clinical testing. Allele origin: germline. Affected: yes.
Comment: The A469T variant has not been published as a pathogenic variant, nor has it been reported as a benign variant to ourknowledge. The A469T variant is observed in 6/66724 (0.0089%) alleles from individuals of European (non-Finnish)background, in large population cohorts (Lek et al., 2016; 1000 Genomes Consortium et al., 2015; Exome VariantServer). The A469T variant is a non-conservative amino acid substitution, which is likely to impact secondaryprotein structure as these residues differ in polarity, charge, size and/or other properties. This substitution occurs at aposition that is conserved across species. In silico analysis predicts this variant is probably damaging to the proteinstructure/function. In summary, based on the currently available information, it is unclear whether this variant is apathogenic variant or a rare benign variant.

NM_001605.3(AARS1):c.1405G>A (p.Ala469Thr)

Gene: AARS1 (alanyl-tRNA synthetase 1; minus strand). Cytogenetic location: 16q22.1.
Variant type: single nucleotide variant.
Coding change: c.1405G>A on transcript NM_001605.3 (MANE Select); coding-DNA position 1405, G replaced by A.
Protein change: p.Ala469Thr; replaces alanine 469 with threonine.
Molecular consequence: missense variant.
Genome position (GRCh38, 1-based): chr16:70,265,045, C>T on the plus strand (G>A on the coding strand, the complement: AARS1 is on the minus strand). VCF-style: chr16-70265045-C-T. GRCh37 (hg19) VCF-style: chr16-70298948-C-T.
Other names: p.Ala469Thr; short protein forms A469T.
Identifiers: ClinVar variation 387201 (VCV000387201.14), dbSNP rs141486562, ClinGen allele CA8140823.